The following is an entry in ClinVar:

NM_000171.4(GLRA1):c.1192T>C (p.Ser398Pro)

Gene: GLRA1 (glycine receptor alpha 1; minus strand). Cytogenetic location: 5q33.1.
Variant type: single nucleotide variant.
Coding change: c.1192T>C on transcript NM_000171.4 (MANE Select); coding-DNA position 1192, T replaced by C.
Protein change: p.Ser398Pro; replaces serine 398 with proline.
Molecular consequence: missense variant.
Genome position (GRCh38, 1-based): chr5:151,822,831, A>G on the plus strand (T>C on the coding strand, the complement: GLRA1 is on the minus strand). VCF-style: chr5-151822831-A-G. GRCh37 (hg19) VCF-style: chr5-151202392-A-G.
Other names: c.1216T>C, p.Ser406Pro (NM_001146040.2); c.943T>C, p.Ser315Pro (NM_001292000.2); short protein forms S315P, S398P, S406P.
Identifiers: ClinVar variation 1038516 (VCV001038516.8), dbSNP rs1210847781, ClinGen allele CA361849986.

ClinVar aggregate classification (germline): Uncertain significance (1 of 4 stars; one submission).

Conditions:
Hereditary hyperekplexia. Identifiers: Orphanet 3197, MedGen C4084968, MONDO:0021022.

Allele frequency attached by ClinVar (database versions not stated): gnomAD exomes 0.00001; gnomAD 0.00003 and 0.00004; TOPMed 0.00003.
gnomAD v4.1: 12 of 1,613,970 alleles (0.00074%); highest among the groups gnomAD compares: Admixed American, 0.015%; no homozygotes.

Submission:

Labcorp Genetics (formerly Invitae), Labcorp
Classification: Uncertain significance for Hereditary hyperekplexia. Last evaluated: 2023-04-01. Review status: criteria provided, single submitter. Criteria: Invitae Variant Classification Sherloc (09022015). Collection method: clinical testing. Allele origin: germline.
Comment: This sequence change replaces serine, which is neutral and polar, with proline, which is neutral and non-polar, at codon 398 of the GLRA1 protein (p.Ser398Pro). This variant is present in population databases (no rsID available, gnomAD 0.006%). This variant has not been reported in the literature in individuals affected with GLRA1-related conditions. ClinVar contains an entry for this variant (Variation ID: 1038516). Advanced modeling of protein sequence and biophysical properties (such as structural, functional, and spatial information, amino acid conservation, physicochemical variation, residue mobility, and thermodynamic stability) performed at Invitae indicates that this missense variant is not expected to disrupt GLRA1 protein function. In summary, the available evidence is currently insufficient to determine the role of this variant in disease. Therefore, it has been classified as a Variant of Uncertain Significance.